The following is an entry in ClinVar:

NM_000807.4(GABRA2):c.949A>G (p.Ile317Val)

Gene: GABRA2 (gamma-aminobutyric acid type A receptor subunit alpha2; minus strand). Cytogenetic location: 4p12.
Variant type: single nucleotide variant.
Coding change: c.949A>G on transcript NM_000807.4 (MANE Select); coding-DNA position 949, A replaced by G.
Protein change: p.Ile317Val; replaces isoleucine 317 with valine.
Molecular consequence: missense variant.
Genome position (GRCh38, 1-based): chr4:46,262,036, T>C on the plus strand (A>G on the coding strand, the complement: GABRA2 is on the minus strand). VCF-style: chr4-46262036-T-C. GRCh37 (hg19) VCF-style: chr4-46264053-T-C.
Other names: c.949A>G, p.Ile317Val (NM_001114175.3, NM_001330690.2, NM_001377144.1 and 8 more transcripts); c.784A>G, p.Ile262Val (NM_001286827.3, NM_001377152.1, NM_001377153.1 and 1 more transcripts); short protein forms I262V, I317V.
Identifiers: ClinVar variation 3695836 (VCV003695836.2).
Genomic context (GRCh38, chr4:46,262,036, plus strand): 5'-AGTAATTAACAGTTGCAAATTCAATTAGGGCAGAGAACACAAATGCATAACAAACAGCAA[T>C]AAACCAGTCCATGGCAGTTGCATAAGCCACTTTGGGGAGAGAATTCCGAGCACTGATGCT-3'
Protein context (NP_000798.2, residues 307-327): VAYATAMDWF[Ile317Val]AVCYAFVFSA

ClinVar aggregate classification (germline): Uncertain significance (1 of 4 stars; one submission).

gnomAD v4.1: 2 of 1,613,620 alleles (0.00012%); highest among the groups gnomAD compares: Non-Finnish European, 0.00017%; no homozygotes.

Submission:

Labcorp Genetics (formerly Invitae), Labcorp
Classification: Uncertain significance. Last evaluated: 2024-09-10. Review status: criteria provided, single submitter. Criteria: Invitae Variant Classification Sherloc (09022015). Collection method: clinical testing. Allele origin: germline.
Comment: This sequence change replaces isoleucine, which is neutral and non-polar, with valine, which is neutral and non-polar, at codon 317 of the GABRA2 protein (p.Ile317Val). This variant is present in population databases (no rsID available, gnomAD 0.007%). This variant has not been reported in the literature in individuals affected with GABRA2-related conditions. An algorithm developed to predict the effect of missense changes on protein structure and function (PolyPhen-2) suggests that this variant is likely to be disruptive. In summary, the available evidence is currently insufficient to determine the role of this variant in disease. Therefore, it has been classified as a Variant of Uncertain Significance.